The following is an entry in ClinVar:

NM_004836.7(EIF2AK3):c.807T>G (p.Ile269Met)

Gene: EIF2AK3 (eukaryotic translation initiation factor 2 alpha kinase 3; minus strand). Cytogenetic location: 2p11.2.
Variant type: single nucleotide variant.
Coding change: c.807T>G on transcript NM_004836.7 (MANE Select); coding-DNA position 807, T replaced by G.
Protein change: p.Ile269Met; replaces isoleucine 269 with methionine.
Molecular consequence: missense variant.
Genome position (GRCh38, 1-based): chr2:88,591,013, A>C on the plus strand (T>G on the coding strand, the complement: EIF2AK3 is on the minus strand). VCF-style: chr2-88591013-A-C. GRCh37 (hg19) VCF-style: chr2-88890531-A-C.
Other names: c.354T>G, p.Ile118Met (NM_001313915.2); c.807T>G (NM_004836.5); short protein forms I118M, I269M.
Identifiers: ClinVar variation 2634862 (VCV002634862.3), dbSNP rs748516671, ClinGen allele CA1754833.
Genomic context (GRCh38, chr2:88,591,013, plus strand): 5'-TGTGTTCTCATTGGGCTTAAAGGTGCTTTCAATAAATCCGGCTCTCGTTTCCATGTCTGG[A>C]ATATACCGAAGTTCAAAGTGGCCAACACTGAAATTCCACCTTAAATTTACAAAGGTGTGT-3'
Protein context (NP_004827.4, residues 259-279): FSVGHFELRY[Ile269Met]PDMETRAGFI

ClinVar aggregate classification (germline): Uncertain significance. Review status: criteria provided, multiple submitters, no conflicts (2 of 4 stars). 3 submissions from 3 submitters: Uncertain significance (3). Last evaluated 2025-08-05.

Conditions:
Inborn genetic diseases. Identifiers: MedGen C0950123, MeSH D030342.
EIF2AK3-related disorder. Also called: EIF2AK3-related condition.
Wolcott-Rallison dysplasia. Also called: MED-IDDM SYNDROME; Wolcott-Rallison syndrome. Identifiers: Orphanet 1667, MedGen C0432217, MONDO:0009192, OMIM 226980.

Allele frequency attached by ClinVar (database versions not stated): gnomAD 0.00001.
gnomAD v4.1: 13 of 1,613,998 alleles (0.00081%); highest among the groups gnomAD compares: Admixed American, 0.0067%; no homozygotes.

Submissions (3):

Ambry Genetics
Classification: Uncertain significance for Inborn genetic diseases. Last evaluated: 2025-08-05. Review status: criteria provided, single submitter. Criteria: Ambry Variant Classification Scheme 2023. Collection method: clinical testing. Allele origin: germline.

Fulgent Genetics
Classification: Uncertain significance for Wolcott-Rallison dysplasia. Last evaluated: 2024-03-19. Review status: criteria provided, single submitter. Criteria: ACMG Guidelines, 2015. Collection method: clinical testing. Allele origin: germline.

PreventionGenetics, part of Exact Sciences
Classification: Uncertain significance for EIF2AK3-related condition. Last evaluated: 2022-12-01. Review status: criteria provided, single submitter. Criteria: ACMG Guidelines, 2015. Collection method: clinical testing. Allele origin: germline.
Comment: The EIF2AK3 c.807T>G variant is predicted to result in the amino acid substitution p.Ile269Met. To our knowledge, this variant has not been reported in the literature. This variant is reported in 0.0056% of alleles in individuals of Latino descent in gnomAD. At this time, the clinical significance of this variant is uncertain due to the absence of conclusive functional and genetic evidence.